The following is an entry in ClinVar:

NM_000414.4(HSD17B4):c.31dup (p.Val11fs)

Genes: HSD17B4 (hydroxysteroid 17-beta dehydrogenase 4; plus strand), LOC129994460 (ATAC-STARR-seq lymphoblastoid active region 22989; plus strand). Cytogenetic location: 5q23.1.
Variant type: Duplication.
Coding change: c.31dup on transcript NM_000414.4 (MANE Select); coding-DNA position 31, one base duplicated (G; older notation c.31dupG).
Protein change: p.Val11fs; shifts the reading frame from valine 11.
Molecular consequence: frameshift variant. On other transcripts: 5 prime UTR variant (8), non-coding transcript variant (2).
Genome position (GRCh38, 1-based): chr5:119,452,606, G duplicated; the last of 3 consecutive G bases (chr5:119,452,604-119,452,606); duplicating any one gives the same sequence. VCF-style (leftmost placement, unchanged base first): chr5-119452603-C-CG. GRCh37 (hg19) VCF-style: chr5-118788298-C-CG.
Other names: c.-148dup (NM_001199291.3); c.31dup, p.Val11fs (NM_001199292.2, NM_001374497.1, NM_001374498.1); c.-107dup (NM_001292027.2); c.-569dup (NM_001292028.2, NM_001374501.1); c.-503dup (NM_001374499.1); c.-696dup (NM_001374500.1); c.-574dup (NM_001374502.1); c.-639dup (NM_001374503.1); short protein forms V11fs.
Identifiers: ClinVar variation 2500745 (VCV002500745.2), dbSNP rs2531471980, ClinGen allele CA2573050762.

ClinVar aggregate classification (germline): Pathogenic (1 of 4 stars; one submission).

Conditions:
Bifunctional peroxisomal enzyme deficiency (DBIF). Also called: D-bifunctional protein deficiency; PBFE DEFICIENCY; DBP DEFICIENCY. Identifiers: Orphanet 300, MedGen C0342870, MONDO:0009855, OMIM 261515. Disease mechanism: loss of function.

Submission:

Victorian Clinical Genetics Services, Murdoch Childrens Research Institute
Classification: Pathogenic for Bifunctional peroxisomal enzyme deficiency. Last evaluated: 2022-02-02. Review status: criteria provided, single submitter. Criteria: ACMG Guidelines, 2015. Collection method: clinical testing. Allele origin: germline. Inheritance: Autosomal recessive inheritance.
Comment: Based on the classification scheme VCGS_Germline_v1.3.4, this variant is classified as Pathogenic. Following criteria are met: 0102 - Loss of function is a known mechanism of disease in this gene and is associated with D-bifunctional protein deficiency (MIM#261515) and Perrault syndrome 1 (MIM#233400). (I) 0106 - This gene is associated with autosomal recessive disease. (I) 0201 - Variant is predicted to cause nonsense-mediated decay (NMD) and loss of protein (premature termination codon is located at least 54 nucleotides upstream of the final exon-exon junction). (SP) 0251 - This variant is heterozygous. (I) 0301 - Variant is absent from gnomAD (both v2 and v3). (SP) 0701 - Other premature termination variants comparable to the one identified in this case have very strong previous evidence for pathogenicity. Many NMD-predicted variants in this gene have been reported as likely pathogenic/pathogenic in ClinVar. (SP) 0807 - This variant has no previous evidence of pathogenicity. (I) 0905 - No published segregation evidence has been identified for this variant. (I) 1006 - Clinically accredited laboratory assay shows abnormal function of product not specific to the gene. (SP) 1101 - Very strong and specific phenotype match for this individual. (I) Legend: (SP) - Supporting pathogenic, (I) - Information, (SB) - Supporting benign